The following is an entry in ClinVar:

NM_005245.4(FAT1):c.1568A>G (p.Glu523Gly)

Gene: FAT1 (FAT atypical cadherin 1; minus strand). Cytogenetic location: 4q35.2.
Variant type: single nucleotide variant.
Coding change: c.1568A>G on transcript NM_005245.4 (MANE Select); coding-DNA position 1568, A replaced by G.
Protein change: p.Glu523Gly; replaces glutamic acid 523 with glycine.
Molecular consequence: missense variant.
Genome position (GRCh38, 1-based): chr4:186,708,260, T>C on the plus strand (A>G on the coding strand, the complement: FAT1 is on the minus strand). VCF-style: chr4-186708260-T-C. GRCh37 (hg19) VCF-style: chr4-187629414-T-C.
Other names: short protein forms E523G.
Identifiers: ClinVar variation 3361480 (VCV003361480.1).
Genomic context (GRCh38, chr4:186,708,260, plus strand): 5'-CAGTCTGATGCACGAATCCTCAGAGTATAAACCCGAGGCATCAGTTCGTAGTCCAGGTTT[T>C]CTGACGTACTCACGGCACCAGTGAAATGGTCAATCGCAAACGGCACATGATTTAAATTTG-3'
Protein context (NP_005236.2, residues 513-533): DHFTGAVSTS[Glu523Gly]NLDYELMPRV

ClinVar aggregate classification (germline): Uncertain significance (1 of 4 stars; one submission).

gnomAD v4.1: 1 of 1,614,006 alleles (0.000062%); highest among the groups gnomAD compares: African/African-American, 0.0013%; no homozygotes.

Submission:

GeneDx
Classification: Uncertain significance. Last evaluated: 2023-07-28. Review status: criteria provided, single submitter. Criteria: GeneDx Variant Classification Process June 2021. Collection method: clinical testing. Allele origin: germline. Affected: yes.
Comment: Reported with a missense variant on the opposite allele (in trans) in a patient with autism spectrum disorder; however, this patient also carried biallelic variants in several other candidate genes for autism spectrum disorder (Tuncay et al., 2023); Not observed at significant frequency in large population cohorts (gnomAD); In silico analysis supports that this missense variant has a deleterious effect on protein structure/function; This variant is associated with the following publications: (PMID: 37492102)